The following is an entry in ClinVar:

NM_021961.6(TEAD1):c.836A>G (p.Lys279Arg)

Gene: TEAD1 (TEA domain transcription factor 1; plus strand). Cytogenetic location: 11p15.3.
Variant type: single nucleotide variant.
Coding change: c.836A>G on transcript NM_021961.6 (MANE Select); coding-DNA position 836, A replaced by G.
Protein change: p.Lys279Arg; replaces lysine 279 with arginine.
Molecular consequence: missense variant.
Genome position (GRCh38, 1-based): chr11:12,902,076, A>G. VCF-style: chr11-12902076-A-G. GRCh37 (hg19) VCF-style: chr11-12923623-A-G.
Other names: short protein forms K279R.
Identifiers: ClinVar variation 957040 (VCV000957040.11), dbSNP rs1948434385, ClinGen allele CA379714669.
Genomic context (GRCh38, chr11:12,902,076, plus strand): 5'-TTCGTCAGATTTATGACAAATTTCCTGAAAAGAAAGGTGGCTTAAAGGAACTGTTTGGAA[A>G]GGGCCCTCAAAATGCCTTCTTCCTCGTAAAATTCTGGGTGAGTAAGACATTGCTGTGATT-3'
Protein context (NP_068780.2, residues 269-289): KKGGLKELFG[Lys279Arg]GPQNAFFLVK

ClinVar aggregate classification (germline): Uncertain significance. Review status: criteria provided, multiple submitters, no conflicts (2 of 4 stars). 3 submissions from 3 submitters: Uncertain significance (3). Last evaluated 2025-02-02.

Conditions:
Inborn genetic diseases. Identifiers: MedGen C0950123, MeSH D030342.

Allele frequency attached by ClinVar (database versions not stated): gnomAD exomes 0.00002.

Submissions (3):

Ambry Genetics
Classification: Uncertain significance for Inborn genetic diseases. Last evaluated: 2025-02-02. Review status: criteria provided, single submitter. Criteria: Ambry Variant Classification Scheme 2023. Collection method: clinical testing. Allele origin: germline.

Labcorp Genetics (formerly Invitae), Labcorp
Classification: Uncertain significance. Last evaluated: 2020-02-24. Review status: criteria provided, single submitter. Criteria: Invitae Variant Classification Sherloc (09022015). Collection method: clinical testing. Allele origin: germline.
Comment: In summary, the available evidence is currently insufficient to determine the role of this variant in disease. Therefore, it has been classified as a Variant of Uncertain Significance. Algorithms developed to predict the effect of missense changes on protein structure and function are either unavailable or do not agree on the potential impact of this missense change (SIFT: "Deleterious"; PolyPhen-2: "Benign"; Align-GVGD: "Class C25"). This variant has not been reported in the literature in individuals with TEAD1-related conditions. This variant is not present in population databases (ExAC no frequency). This sequence change replaces lysine with arginine at codon 279 of the TEAD1 protein (p.Lys279Arg). The lysine residue is highly conserved and there is a small physicochemical difference between lysine and arginine.

Blueprint Genetics
Classification: Uncertain significance. Last evaluated: 2018-09-04. Review status: criteria provided, single submitter. Criteria: ACMG Guidelines, 2015. Collection method: clinical testing. Allele origin: germline.